The following is an entry in ClinVar:

NM_003482.4(KMT2D):c.1421T>C (p.Leu474Ser)

Gene: KMT2D (lysine methyltransferase 2D; minus strand). Cytogenetic location: 12q13.12.
Variant type: single nucleotide variant.
Coding change: c.1421T>C on transcript NM_003482.4 (MANE Select); coding-DNA position 1421, T replaced by C.
Protein change: p.Leu474Ser; replaces leucine 474 with serine.
Molecular consequence: missense variant.
Genome position (GRCh38, 1-based): chr12:49,052,262, A>G on the plus strand (T>C on the coding strand, the complement: KMT2D is on the minus strand). VCF-style: chr12-49052262-A-G. GRCh37 (hg19) VCF-style: chr12-49446045-A-G.
Other names: short protein forms L474S.
Identifiers: ClinVar variation 996868 (VCV000996868.3), dbSNP rs544407449, ClinGen allele CA236621204.

ClinVar aggregate classification (germline): Conflicting classifications of pathogenicity. Review status: criteria provided, conflicting classifications (1 of 4 stars). 2 submissions from 2 submitters: Uncertain significance (1); Benign (1). Last evaluated 2024-09-01.

Conditions:
Kabuki syndrome. Also called: NIIKAWA-KUROKI SYNDROME; Kabuki make-up syndrome. Identifiers: Orphanet 2322, MedGen C0796004, MONDO:0016512.
Kabuki syndrome 1 (KABUK1). Also called: KMT2D-Related Kabuki Syndrome. Identifiers: Orphanet 2322, MedGen CN030661, MONDO:0007843, OMIM 147920.

Allele frequency attached by ClinVar (database versions not stated): gnomAD exomes below 0.00001; gnomAD 0.00005; 1000 Genomes Project 0.00060.
gnomAD v4.1: 13 of 1,490,326 alleles (0.00087%); highest among the groups gnomAD compares: African/African-American, 0.017%; no homozygotes.

Submissions (2):

Labcorp Genetics (formerly Invitae), Labcorp
Classification: Benign for Kabuki syndrome. Last evaluated: 2024-09-01. Review status: criteria provided, single submitter. Criteria: Invitae Variant Classification Sherloc (09022015). Collection method: clinical testing. Allele origin: germline.

New York Genome Center
Classification: Uncertain significance for Kabuki syndrome 1. Last evaluated: 2019-09-13. Review status: criteria provided, single submitter. Criteria: NYGC Assertion Criteria 2020. Collection method: clinical testing. Allele origin: germline. Inheritance: Autosomal dominant inheritance. Observed: 1 heterozygote. Study: CSER-NYCKidSeq.
Comment: The c.1421T>C (p.Leu474Ser) variant identified in the KMT2D gene substitutes an unconserved Leucine for Serine at amino acid 474/5538 (coding exon 10/54). This variant is found in a single individual in gnomAD (1 heterozygote, 0 homozygotes; allele frequency:3.63e-5) and is absent from ExAC, suggesting it is not a common benign variant in the populations represented in these databases. In silico algorithms predict this variant to be Neutral (Provean; score: 0.30) and Tolerated (SIFT; score: 0.828) to the function of the canonical transcript. This variant is absent from ClinVar and to our current knowledge has not been reported in affected individuals in the literature. Given the lack of compelling evidence for its pathogenicity, the c.1421T>C (p.Leu474Ser) variant identified in the KMT2D gene is reported here as a Variant of Uncertain Significance.